The following is an entry in ClinVar:

NM_014845.6(FIG4):c.2617A>C (p.Thr873Pro)

Gene: FIG4 (FIG4 phosphoinositide 5-phosphatase; plus strand). Cytogenetic location: 6q21.
Variant type: single nucleotide variant.
Coding change: c.2617A>C on transcript NM_014845.6 (MANE Select); coding-DNA position 2617, A replaced by C.
Protein change: p.Thr873Pro; replaces threonine 873 with proline.
Molecular consequence: missense variant.
Genome position (GRCh38, 1-based): chr6:109,825,158, A>C. VCF-style: chr6-109825158-A-C. GRCh37 (hg19) VCF-style: chr6-110146361-A-C.
Other names: short protein forms T873P.
Identifiers: ClinVar variation 1014957 (VCV001014957.2), dbSNP rs199765196, ClinGen allele CA365224938.

ClinVar aggregate classification (germline): Uncertain significance (1 of 4 stars; one submission).

Conditions:
Charcot-Marie-Tooth disease type 4. Also called: Charcot-Marie-Tooth, Type 4; Charcot-Marie-Tooth disease, type IV. Identifiers: Orphanet 64749, MedGen C4082197, MONDO:0018995.

Allele frequency attached by ClinVar (database versions not stated): TOPMed below 0.00001; gnomAD exomes 0.00001.
gnomAD v4.1: 58 of 1,614,014 alleles (0.0036%); highest among the groups gnomAD compares: Non-Finnish European, 0.0049%; no homozygotes.

Submission:

Labcorp Genetics (formerly Invitae), Labcorp
Classification: Uncertain significance for Charcot-Marie-Tooth disease type 4. Last evaluated: 2021-08-30. Review status: criteria provided, single submitter. Criteria: Invitae Variant Classification Sherloc (09022015). Collection method: clinical testing. Allele origin: germline.
Comment: This sequence change replaces threonine with proline at codon 873 of the FIG4 protein (p.Thr873Pro). The threonine residue is weakly conserved and there is a small physicochemical difference between threonine and proline. This variant is not present in population databases (ExAC no frequency). This variant has not been reported in the literature in individuals affected with FIG4-related conditions. Algorithms developed to predict the effect of missense changes on protein structure and function (SIFT, PolyPhen-2, Align-GVGD) all suggest that this variant is likely to be tolerated. In summary, the available evidence is currently insufficient to determine the role of this variant in disease. Therefore, it has been classified as a Variant of Uncertain Significance.